The following is an entry in ClinVar:

NM_021831.6(AGBL5):c.1562C>T (p.Thr521Ile)

Gene: AGBL5 (AGBL carboxypeptidase 5; plus strand). Cytogenetic location: 2p23.3.
Variant type: single nucleotide variant.
Coding change: c.1562C>T on transcript NM_021831.6 (MANE Select); coding-DNA position 1562, C replaced by T.
Protein change: p.Thr521Ile; replaces threonine 521 with isoleucine.
Molecular consequence: missense variant. On other transcripts: non-coding transcript variant (2).
Genome position (GRCh38, 1-based): chr2:27,057,329, C>T. VCF-style: chr2-27057329-C-T. GRCh37 (hg19) VCF-style: chr2-27280197-C-T.
Other names: c.1562C>T, p.Thr521Ile (NM_001035507.3); short protein forms T521I.
Identifiers: ClinVar variation 1054077 (VCV001054077.9), dbSNP rs1668487340, ClinGen allele CA346183606.

ClinVar aggregate classification (germline): Uncertain significance (1 of 4 stars; one submission).

Allele frequency attached by ClinVar (database versions not stated): gnomAD exomes below 0.00001.
gnomAD v4.1: 1 of 1,613,952 alleles (0.000062%); highest among the groups gnomAD compares: Non-Finnish European, 0.000085%; no homozygotes.

Submission:

Labcorp Genetics (formerly Invitae), Labcorp
Classification: Uncertain significance. Last evaluated: 2025-01-13. Review status: criteria provided, single submitter. Criteria: Invitae Variant Classification Sherloc (09022015). Collection method: clinical testing. Allele origin: germline.
Comment: This sequence change replaces threonine, which is neutral and polar, with isoleucine, which is neutral and non-polar, at codon 521 of the AGBL5 protein (p.Thr521Ile). This variant is not present in population databases (gnomAD no frequency). This variant has not been reported in the literature in individuals affected with AGBL5-related conditions. ClinVar contains an entry for this variant (Variation ID: 1054077). An algorithm developed to predict the effect of missense changes on protein structure and function (PolyPhen-2) suggests that this variant is likely to be disruptive. In summary, the available evidence is currently insufficient to determine the role of this variant in disease. Therefore, it has been classified as a Variant of Uncertain Significance.